The following is an entry in ClinVar:

ClinVar aggregate classification (germline): Conflicting classifications of pathogenicity. Review status: criteria provided, conflicting classifications (1 of 4 stars). 3 submissions from 3 submitters: Uncertain significance (1); Likely benign (2). Last evaluated 2026-01-12.

Conditions:
PEX16-related disorder. Also called: PEX16-related condition.
Peroxisome biogenesis disorder. Identifiers: Orphanet 79189, MedGen C1832200, MONDO:0019234. Disease mechanism: loss of function.

Allele frequency attached by ClinVar (database versions not stated): ExAC 0.00001; gnomAD exomes 0.00001 and 0.00003; gnomAD 0.00002; TOPMed 0.00005.
gnomAD v4.1: 42 of 1,613,132 alleles (0.0026%); highest among the groups gnomAD compares: South Asian, 0.0044%; no homozygotes.

Submissions (3):

Labcorp Genetics (formerly Invitae), Labcorp
Classification: Likely benign for Peroxisome biogenesis disorder. Last evaluated: 2026-01-12. Review status: criteria provided, single submitter. Criteria: Invitae Variant Classification Sherloc (09022015). Collection method: clinical testing. Allele origin: germline.

PreventionGenetics, part of Exact Sciences
Classification: Likely benign for PEX16-related condition. Last evaluated: 2025-12-31. Review status: criteria provided, single submitter. Criteria: ACMG Guidelines, 2015. Collection method: clinical testing. Allele origin: germline.
Comment: This variant is classified as likely benign based on ACMG/AMP sequence variant interpretation guidelines (Richards et al. 2015 PMID: 25741868, with internal and published modifications).

Eurofins Ntd Llc (ga)
Classification: Uncertain significance. Last evaluated: 2018-01-19. Review status: criteria provided, single submitter. Criteria: EGL Classification Definitions 2015. Collection method: clinical testing. Allele origin: germline. Observed: 1 variant allele, 1 heterozygote.

NM_004813.4(PEX16):c.695-5G>A

Gene: PEX16 (peroxisomal biogenesis factor 16; minus strand). Cytogenetic location: 11p11.2.
Variant type: single nucleotide variant.
Coding change: c.695-5G>A on transcript NM_004813.4 (MANE Select); 5 bases into the intron before coding-DNA position 695, G replaced by A.
Molecular consequence: intron variant.
Genome position (GRCh38, 1-based): chr11:45,914,208, C>T on the plus strand (G>A on the coding strand, the complement: PEX16 is on the minus strand). VCF-style: chr11-45914208-C-T. GRCh37 (hg19) VCF-style: chr11-45935759-C-T.
Other names: c.695-5G>A (NM_057174.3, NM_004813.2).
Identifiers: ClinVar variation 595813 (VCV000595813.15), dbSNP rs775367961, ClinGen allele CA5959857.